The following is an entry in ClinVar:

ClinVar aggregate classification (germline): Benign. Review status: criteria provided, multiple submitters, no conflicts (2 of 4 stars). 3 submissions from 3 submitters: Benign (2). 1 of the submissions does not count toward it. Last evaluated 2026-01-12.

Conditions:
RINT1-related disorder. Also called: RINT1-related condition.

Submissions (6):

Labcorp Genetics (formerly Invitae), Labcorp
Classification: Benign. Last evaluated: 2026-01-12. Review status: criteria provided, single submitter. Criteria: Invitae Variant Classification Sherloc (09022015). Collection method: clinical testing. Allele origin: germline.

Ambry Genetics
Classification: Benign. Last evaluated: 2020-07-02. Review status: criteria provided, single submitter. Criteria: Ambry Variant Classification Scheme 2023. Collection method: clinical testing. Allele origin: germline.

PreventionGenetics, part of Exact Sciences
Classification: Benign for RINT1-related condition. Last evaluated: 2019-04-01. Review status: no assertion criteria provided. Collection method: clinical testing. Allele origin: germline. Not counted in ClinVar's aggregate classification.
Comment: This variant is classified as benign based on ACMG/AMP sequence variant interpretation guidelines (Richards et al. 2015 PMID: 25741868, with internal and published modifications).

Dr. Peter K. Rogan Lab, Western University
No classification provided (evidence only). Condition: Familial cancer of breast. Review status: no classification provided. Collection method: in vitro. Allele origin: not applicable. Functional consequence: skipped exon. Not counted in ClinVar's aggregate classification.

Dr. Peter K. Rogan Lab, Western University
No classification provided (evidence only). Condition: Nonpapillary renal cell carcinoma. Review status: no classification provided. Collection method: in vitro. Allele origin: not applicable. Functional consequence: skipped exon. Not counted in ClinVar's aggregate classification.

Dr. Peter K. Rogan Lab, Western University
No classification provided (evidence only). Condition: Malignant tumor of esophagus. Review status: no classification provided. Collection method: in vitro. Allele origin: not applicable. Functional consequence: skipped exon. Not counted in ClinVar's aggregate classification.

NM_021930.6(RINT1):c.43-12TTC[2]

Gene: RINT1 (RAD50 interactor 1; plus strand). Cytogenetic location: 7q22.3.
Variant type: Microsatellite.
Coding change: c.43-12TTC[2] on transcript NM_021930.6 (MANE Select); two copies in a row of the 3-base unit TTC starting at c.43-12.
Molecular consequence: intron variant.
Genome position: GRCh38 VCF-style: chr7-105532811-GTTC-G. GRCh37 (hg19) VCF-style: chr7-105173258-GTTC-G.
Other names: NC_000007.13:g.105173266_105173268del; c.43-5_43-3delTCT (NM_021930.4); c.-977-12TTC[2] (NM_001346600.2); c.-880-12TTC[2] (NM_001346601.2); c.-500-12TTC[2] (NM_001346603.2); c.-55-12TTC[2] (NM_001346599.2); c.43-5_43-3del (NM_021930.6).
Identifiers: ClinVar variation 241409 (VCV000241409.17), dbSNP rs374498388, ClinGen allele CA4426329.